The following is an entry in ClinVar:

ClinVar aggregate classification (germline): Likely benign. Review status: criteria provided, multiple submitters, no conflicts (2 of 4 stars). 2 submissions from 2 submitters: Likely benign (2). Last evaluated 2024-09-16.

Allele frequency attached by ClinVar (database versions not stated): gnomAD exomes 0.00002; TOPMed 0.00002; ExAC 0.00004; ESP Exome Variant Server 0.00008.
gnomAD v4.1: 22 of 1,557,692 alleles (0.0014%); highest among the groups gnomAD compares: Non-Finnish European, 0.0017%; no homozygotes.

Submissions (2):

Labcorp Genetics (formerly Invitae), Labcorp
Classification: Likely benign. Last evaluated: 2024-09-16. Review status: criteria provided, single submitter. Criteria: Invitae Variant Classification Sherloc (09022015). Collection method: clinical testing. Allele origin: germline.

Laboratory for Molecular Medicine, Mass General Brigham Personalized Medicine
Classification: Likely benign. Last evaluated: 2017-12-05. Review status: criteria provided, single submitter. Criteria: LMM Criteria. Collection method: clinical testing. Allele origin: germline. Observed: 1 variant allele.
Comment: p.Gln235Gln in exon 7 of ADGRV1: This variant is not expected to have clinical s ignificance because it does not alter an amino acid residue, is not located with in the splice consensus sequence, and has been identified in 5/97140 European ch romosomes by the Genome Aggregation Database (gnomAD; dbSNP rs372853480).

NM_032119.4(ADGRV1):c.705A>G (p.Gln235=)

Gene: ADGRV1 (adhesion G protein-coupled receptor V1; plus strand). Cytogenetic location: 5q14.3.
Variant type: single nucleotide variant.
Coding change: c.705A>G on transcript NM_032119.4 (MANE Select); coding-DNA position 705, A replaced by G.
Protein change: p.Gln235=; no amino-acid change (glutamine 235 retained).
Molecular consequence: synonymous variant. On other transcripts: non-coding transcript variant (1).
Genome position (GRCh38, 1-based): chr5:90,627,243, A>G. VCF-style: chr5-90627243-A-G. GRCh37 (hg19) VCF-style: chr5-89923060-A-G.
Identifiers: ClinVar variation 504575 (VCV000504575.15), dbSNP rs372853480, ClinGen allele CA3338548.
Genomic context (GRCh38, chr5:90,627,243, plus strand): 5'-TTTGCCTCTGTTTATATTCCTTTAACAGGTACCAGAAAATGATGAAATATTTTTAATTCA[A>G]CTGAAAAGTGTAGAAGGAGGAGCTGAGATTAACACCTCTAGGAATTCCATTGAGATCATC-3'
Protein context (NP_115495.3, residues 225-245): VPENDEIFLI[Gln235=]LKSVEGGAEI